The following is an entry in ClinVar:

NM_000169.3(GLA):c.194+17A>G

Genes: GLA (galactosidase alpha; minus strand), RPL36A-HNRNPH2 (RPL36A-HNRNPH2 readthrough; plus strand). Cytogenetic location: Xq22.1.
Variant type: single nucleotide variant.
Coding change: c.194+17A>G on transcript NM_000169.3 (MANE Select); 17 bases into the intron after coding-DNA position 194, A replaced by G.
Molecular consequence: intron variant.
Genome position (GRCh38, 1-based): chrX:101,407,693, T>C on the plus strand (A>G on the coding strand, the complement: GLA is on the minus strand). VCF-style: chrX-101407693-T-C. GRCh37 (hg19) VCF-style: chrX-100662681-T-C.
Other names: c.301-4243T>C (NM_001199973.2); c.178-4243T>C (NM_001199974.2); c.194+17A>G (NM_001406747.1, NM_001406748.1, NM_001406749.1).
Identifiers: ClinVar variation 193058 (VCV000193058.37), dbSNP rs2071226, ClinGen allele CA021571.

ClinVar aggregate classification (germline): Benign. Review status: criteria provided, multiple submitters, no conflicts (2 of 4 stars). 13 submissions from 13 submitters: Benign (10). 3 of the submissions do not count toward it. Last evaluated 2026-09-08.

Conditions:
Fabry disease. Also called: Ceramide trihexosidosis; Angiokeratoma corporis diffusum; ALPHA-GALACTOSIDASE A DEFICIENCY; ANDERSON-FABRY DISEASE; Fabry's disease; CERAMIDE TRIHEXOSIDASE DEFICIENCY. Identifiers: Orphanet 324, MedGen C0002986, MONDO:0010526, OMIM 301500, HP:0001071. Disease mechanism: Fabry disease is due to inactivating mutations in the X-linked GLA gene resulting in deficiency of the enzyme Alpha Galactosidase-A., loss of function.

Allele frequency attached by ClinVar (database versions not stated): ESP Exome Variant Server 0.00019; gnomAD 0.00379 and 0.00515; gnomAD exomes 0.00456 and 0.01091; TOPMed 0.00619; ExAC 0.01093; 1000 Genomes Project 30x 0.02206; 1000 Genomes Project 0.02331.

Submissions (13):

Genomenon, Inc
Classification: Benign for Fabry disease. Last evaluated: 2026-09-08. Review status: criteria provided, single submitter. Criteria: Genomenon Sequence Variant Interpretation Standards - Updated. Collection method: curation. Allele origin: germline. Affected: no.
Comment: GLA c.194+17A>G is an intronic variant located in intron 1. This variant is present at high allele frequency in population databases. We classify GLA c.194+17A>G as a benign variant.

Labcorp Genetics (formerly Invitae), Labcorp
Classification: Benign for Fabry disease. Last evaluated: 2026-02-04. Review status: criteria provided, single submitter. Criteria: Invitae Variant Classification Sherloc (09022015). Collection method: clinical testing. Allele origin: germline.

Mayo Clinic Laboratories, Mayo Clinic
Classification: Benign. Last evaluated: 2025-10-01. Review status: criteria provided, single submitter. Criteria: ACMG Guidelines, 2015. Collection method: clinical testing. Allele origin: germline. Observed: 4 variant alleles.

ARUP Laboratories, Molecular Genetics and Genomics, ARUP Laboratories
Classification: Benign. Last evaluated: 2025-04-28. Review status: criteria provided, single submitter. Criteria: ARUP Molecular Germline Variant Investigation Process 2024. Collection method: clinical testing. Allele origin: germline.

Blueprint Genetics
Classification: Benign. Last evaluated: 2024-11-27. Review status: criteria provided, single submitter. Criteria: ACMG Guidelines, 2015. Collection method: clinical testing. Allele origin: germline.

Genome-Nilou Lab
Classification: Benign for Fabry disease. Last evaluated: 2021-07-15. Review status: criteria provided, single submitter. Criteria: ACMG Guidelines, 2015. Collection method: clinical testing. Allele origin: germline. Affected: no.

Eurofins Ntd Llc (ga)
Classification: Benign. Last evaluated: 2017-02-07. Review status: criteria provided, single submitter. Criteria: EGL Classification Definitions 2015. Collection method: clinical testing. Allele origin: germline. Observed: 2 variant alleles, 2 heterozygotes.

GeneDx
Classification: Benign. Last evaluated: 2015-03-03. Review status: criteria provided, single submitter. Criteria: GeneDx Variant Classification Process June 2021. Collection method: clinical testing. Allele origin: germline. Affected: yes.

Breakthrough Genomics
Classification: Benign. Review status: criteria provided, single submitter. Criteria: ACMG Guidelines, 2015. Collection method: not provided. Allele origin: germline. Inheritance: X-linked inheritance. Affected: yes.

PreventionGenetics, part of Exact Sciences
Classification: Benign. Review status: criteria provided, single submitter. Criteria: ACMG Guidelines, 2015. Collection method: clinical testing. Allele origin: germline.

Clinical Genetics DNA and cytogenetics Diagnostics Lab, Erasmus MC, Erasmus Medical Center
Classification: Benign. Review status: no assertion criteria provided. Collection method: clinical testing. Allele origin: germline. Affected: yes. Study: VKGL Data-share Consensus. Not counted in ClinVar's aggregate classification.

Clinical Genetics, Academic Medical Center
Classification: Benign. Review status: no assertion criteria provided. Collection method: clinical testing. Allele origin: germline. Affected: yes. Study: VKGL Data-share Consensus. Not counted in ClinVar's aggregate classification.

Joint Genome Diagnostic Labs from Nijmegen and Maastricht, Radboudumc and MUMC+
Classification: Benign. Review status: no assertion criteria provided. Collection method: clinical testing. Allele origin: germline. Affected: yes. Study: VKGL Data-share Consensus. Not counted in ClinVar's aggregate classification.